The following is an entry in ClinVar:

NM_000452.3(SLC10A2):c.299T>C (p.Val100Ala)

Gene: SLC10A2 (solute carrier family 10 member 2; minus strand). Cytogenetic location: 13q33.1.
Variant type: single nucleotide variant.
Coding change: c.299T>C on transcript NM_000452.3 (MANE Select); coding-DNA position 299, T replaced by C.
Protein change: p.Val100Ala; replaces valine 100 with alanine.
Molecular consequence: missense variant.
Genome position (GRCh38, 1-based): chr13:103,065,951, A>G on the plus strand (T>C on the coding strand, the complement: SLC10A2 is on the minus strand). VCF-style: chr13-103065951-A-G. GRCh37 (hg19) VCF-style: chr13-103718301-A-G.
Other names: c.299T>C (NM_000452.2); short protein forms V100A.
Identifiers: ClinVar variation 501262 (VCV000501262.11), dbSNP rs138949597, ClinGen allele CA7042291.

ClinVar aggregate classification (germline): Uncertain significance. Review status: criteria provided, multiple submitters, no conflicts (2 of 4 stars). 4 submissions from 4 submitters: Uncertain significance (3). 1 of the submissions does not count toward it. Last evaluated 2025-12-20.

Conditions:
SLC10A2-related disorder. Also called: SLC10A2-related condition.

Allele frequency attached by ClinVar (database versions not stated): ExAC 0.00018; TOPMed 0.00020; ESP Exome Variant Server 0.00023.
gnomAD v4.1: 239 of 1,614,082 alleles (0.015%); highest among the groups gnomAD compares: South Asian, 0.063%; 1 homozygote.

Submissions (4):

Labcorp Genetics (formerly Invitae), Labcorp
Classification: Uncertain significance. Last evaluated: 2025-12-20. Review status: criteria provided, single submitter. Criteria: Invitae Variant Classification Sherloc (09022015). Collection method: clinical testing. Allele origin: germline.
Comment: This sequence change replaces valine, which is neutral and non-polar, with alanine, which is neutral and non-polar, at codon 100 of the SLC10A2 protein (p.Val100Ala). This variant is present in population databases (rs138949597, gnomAD 0.07%), and has an allele count higher than expected for a pathogenic variant. This variant has not been reported in the literature in individuals affected with SLC10A2-related conditions. ClinVar contains an entry for this variant (Variation ID: 501262). Invitae Evidence Modeling of protein sequence and biophysical properties (such as structural, functional, and spatial information, amino acid conservation, physicochemical variation, residue mobility, and thermodynamic stability) indicates that this missense variant is not expected to disrupt SLC10A2 protein function with a negative predictive value of 80%. In summary, the available evidence is currently insufficient to determine the role of this variant in disease. Therefore, it has been classified as a Variant of Uncertain Significance.

Ambry Genetics
Classification: Uncertain significance. Last evaluated: 2021-08-16. Review status: criteria provided, single submitter. Criteria: Ambry Variant Classification Scheme 2023. Collection method: clinical testing. Allele origin: germline.

Eurofins Ntd Llc (ga)
Classification: Uncertain significance. Last evaluated: 2017-10-16. Review status: criteria provided, single submitter. Criteria: EGL Classification Definitions 2015. Collection method: clinical testing. Allele origin: germline. Observed: 2 variant alleles, 2 heterozygotes.

PreventionGenetics, part of Exact Sciences
Classification: Uncertain significance for SLC10A2-related condition. Last evaluated: 2024-03-07. Review status: no assertion criteria provided. Collection method: clinical testing. Allele origin: germline. Not counted in ClinVar's aggregate classification.
Comment: The SLC10A2 c.299T>C variant is predicted to result in the amino acid substitution p.Val100Ala. To our knowledge, this variant has not been reported in the literature. This variant is reported in 0.072% of alleles in individuals of South Asian descent in gnomAD. Although we suspect this variant could be benign, at this time, the clinical significance of this variant is uncertain due to the absence of conclusive functional and genetic evidence.